The following is an entry in ClinVar:

NM_014319.5(LEMD3):c.2305+4T>G

Gene: LEMD3 (LEM domain containing 3; plus strand). Cytogenetic location: 12q14.3.
Variant type: single nucleotide variant.
Coding change: c.2305+4T>G on transcript NM_014319.5 (MANE Select); 4 bases into the intron after coding-DNA position 2305, T replaced by G.
Molecular consequence: intron variant.
Genome position (GRCh38, 1-based): chr12:65,241,091, T>G. VCF-style: chr12-65241091-T-G. GRCh37 (hg19) VCF-style: chr12-65634871-T-G.
Other names: c.2302+4T>G (NM_001167614.2).
Identifiers: ClinVar variation 3728304 (VCV003728304.2).
Genomic context (GRCh38, chr12:65,241,091, plus strand): 5'-CTTCTGCATCCTGTGACAAAATATTAGTTATACCTTCTAAAGTATGGCAAGGTCAAGGTA[T>G]GTATTTTTAAACATCAAAAAAGTAATTTTCTTCTAATTTTTCAAAATGACAAATATGTGT-3'

ClinVar aggregate classification (germline): Uncertain significance (1 of 4 stars; one submission).

Submission:

Labcorp Genetics (formerly Invitae), Labcorp
Classification: Uncertain significance. Last evaluated: 2024-12-30. Review status: criteria provided, single submitter. Criteria: Invitae Variant Classification Sherloc (09022015). Collection method: clinical testing. Allele origin: germline.
Comment: This sequence change falls in intron 9 of the LEMD3 gene. It does not directly change the encoded amino acid sequence of the LEMD3 protein. It affects a nucleotide within the consensus splice site. This variant is not present in population databases (gnomAD no frequency). This variant has not been reported in the literature in individuals affected with LEMD3-related conditions. Variants that disrupt the consensus splice site are a relatively common cause of aberrant splicing (PMID: 17576681, 9536098). Algorithms developed to predict the effect of sequence changes on RNA splicing suggest that this variant is not likely to affect RNA splicing. In summary, the available evidence is currently insufficient to determine the role of this variant in disease. Therefore, it has been classified as a Variant of Uncertain Significance.

Literature cited by the submitters: PubMed 17576681; PubMed 9536098.